The following is an entry in ClinVar:

ClinVar aggregate classification (germline): Uncertain significance (1 of 4 stars; one submission).

Submission:

GeneDx
Classification: Uncertain significance. Last evaluated: 2023-05-16. Review status: criteria provided, single submitter. Criteria: GeneDx Variant Classification Process June 2021. Collection method: clinical testing. Allele origin: germline. Affected: yes.
Comment: Nonsense variant predicted to result in protein truncation or nonsense mediated decay in a gene or region of a gene for which loss of function is not a well-established mechanism of disease; Not observed at significant frequency in large population cohorts (gnomAD); Has not been previously published as pathogenic or benign to our knowledge

NM_001017974.2(P4HA2):c.1263T>A (p.Tyr421Ter)

Gene: P4HA2 (prolyl 4-hydroxylase subunit alpha 2; minus strand). Cytogenetic location: 5q31.1.
Variant type: single nucleotide variant.
Coding change: c.1263T>A on transcript NM_001017974.2 (MANE Select); coding-DNA position 1263, T replaced by A.
Protein change: p.Tyr421Ter; replaces tyrosine 421 with a stop codon.
Molecular consequence: nonsense.
Genome position (GRCh38, 1-based): chr5:132,198,921, A>T on the plus strand (T>A on the coding strand, the complement: P4HA2 is on the minus strand). VCF-style: chr5-132198921-A-T. GRCh37 (hg19) VCF-style: chr5-131534614-A-T.
Other names: c.1263T>A, p.Tyr421Ter (NM_001017973.1, NM_001142598.2, NM_001142599.2 and 5 more transcripts); c.1086T>A, p.Tyr362Ter (NM_001365681.2); short protein forms Y362*, Y421*.
Identifiers: ClinVar variation 2662414 (VCV002662414.1), dbSNP rs2531697795, ClinGen allele CA360798019.
Genomic context (GRCh38, chr5:132,198,921, plus strand): 5'-CTGTGATTTAGGCCTTACCCTAGAGAAGTCGAAGTGCGGTTCATACTGTCCTCCCACTCC[A>T]TAATTTGCAACCTGTGGGAAATAACAGCATTAGACCTTGTAAGCAGCATGAACAGCTCTG-3'